The following is an entry in ClinVar:

NM_022124.6(CDH23):c.5248G>A (p.Gly1750Arg)

Gene: CDH23 (cadherin related 23; plus strand). Cytogenetic location: 10q22.1.
Variant type: single nucleotide variant.
Coding change: c.5248G>A on transcript NM_022124.6 (MANE Select); coding-DNA position 5248, G replaced by A.
Protein change: p.Gly1750Arg; replaces glycine 1750 with arginine.
Molecular consequence: missense variant.
Genome position (GRCh38, 1-based): chr10:71,779,327, G>A. VCF-style: chr10-71779327-G-A. GRCh37 (hg19) VCF-style: chr10-73539084-G-A.
Other names: short protein forms G1750R.
Identifiers: ClinVar variation 45971 (VCV000045971.12), dbSNP rs372822465, ClinGen allele CA137473.
Genomic context (GRCh38, chr10:71,779,327, plus strand): 5'-GTGCTTGTGAATGTGAATGACATCAACGACAATGTGCCTACCTTCCCCCGGGACTATGAG[G>A]GACCATTTGAAGTCACTGAGGGCCAGCCGGGGCCCAGAGTGTGGACCTTCCTGGCCCATG-3'
Protein context (NP_071407.4, residues 1740-1760): NVPTFPRDYE[Gly1750Arg]PFEVTEGQPG

ClinVar aggregate classification (germline): Uncertain significance. Review status: criteria provided, multiple submitters, no conflicts (2 of 4 stars). 6 submissions from 5 submitters: Uncertain significance (5). 1 of the submissions does not count toward it. Last evaluated 2025-08-20.

Conditions:
Inborn genetic diseases. Identifiers: MedGen C0950123, MeSH D030342.
Usher syndrome type 1 (USH1). Also called: RETINITIS PIGMENTOSA AND CONGENITAL DEAFNESS. Identifiers: Orphanet 231169, Orphanet 886, MedGen C1568247, MONDO:0010168, OMIM 276900.
Autosomal recessive nonsyndromic hearing loss 12. Also called: DEAFNESS, AUTOSOMAL RECESSIVE 12. Identifiers: Orphanet 90636, MedGen C1832394, MONDO:0011067, OMIM 601386.
Usher syndrome type 1D (USH1D). Also called: USHER SYNDROME, TYPE ID. Identifiers: Orphanet 231169, Orphanet 886, MedGen C1832845, MONDO:0010984, OMIM 601067.

Allele frequency attached by ClinVar (database versions not stated): ExAC 0.00003; gnomAD exomes 0.00003 and 0.00007; TOPMed 0.00004; gnomAD 0.00005; ESP Exome Variant Server 0.00008.
gnomAD v4.1: 105 of 1,613,890 alleles (0.0065%); highest among the groups gnomAD compares: Non-Finnish European, 0.0087%; no homozygotes.

Submissions (6):

Ambry Genetics
Classification: Uncertain significance for Inborn genetic diseases. Last evaluated: 2025-08-20. Review status: criteria provided, single submitter. Criteria: Ambry Variant Classification Scheme 2023. Collection method: clinical testing. Allele origin: germline.

Labcorp Genetics (formerly Invitae), Labcorp
Classification: Uncertain significance. Last evaluated: 2025-05-05. Review status: criteria provided, single submitter. Criteria: Invitae Variant Classification Sherloc (09022015). Collection method: clinical testing. Allele origin: germline.
Comment: This sequence change replaces glycine, which is neutral and non-polar, with arginine, which is basic and polar, at codon 1750 of the CDH23 protein (p.Gly1750Arg). This variant is present in population databases (rs372822465, gnomAD 0.006%). This variant has not been reported in the literature in individuals affected with CDH23-related conditions. ClinVar contains an entry for this variant (Variation ID: 45971). Invitae Evidence Modeling of protein sequence and biophysical properties (such as structural, functional, and spatial information, amino acid conservation, physicochemical variation, residue mobility, and thermodynamic stability) has been performed for this missense variant. However, the output from this modeling did not meet the statistical confidence thresholds required to predict the impact of this variant on CDH23 protein function. In summary, the available evidence is currently insufficient to determine the role of this variant in disease. Therefore, it has been classified as a Variant of Uncertain Significance.

Illumina Laboratory Services, Illumina
Classification: Uncertain significance for Autosomal recessive nonsyndromic hearing loss 12. Last evaluated: 2018-01-12. Review status: criteria provided, single submitter. Criteria: ICSL Variant Classification Criteria 13 December 2019. Collection method: clinical testing. Allele origin: germline.

Illumina Laboratory Services, Illumina
Classification: Uncertain significance for Usher syndrome type 1D. Last evaluated: 2018-01-12. Review status: criteria provided, single submitter. Criteria: ICSL Variant Classification Criteria 13 December 2019. Collection method: clinical testing. Allele origin: germline.

Laboratory for Molecular Medicine, Mass General Brigham Personalized Medicine
Classification: Uncertain significance. Last evaluated: 2011-01-09. Review status: criteria provided, single submitter. Criteria: LMM Criteria. Collection method: clinical testing. Allele origin: germline. Observed: 1 variant allele.
Comment: Variant classified as Uncertain Significance - Favor Pathogenic. The Gly1750Arg variant in CDH23 has not been reported in the literature nor previously identifi ed by our laboratory. This residue is conserved across species and computational analyses (PolyPhen2, SIFT, AlignGVGD) suggest that the Gly1750Arg variant may i mpact the protein. However, this information is not predictive enough to assume pathogenicity. It should be noted that this lab has only sequenced the CDH23 in 94 Caucasian individuals such that the full spectrum of benign variation has not yet been defined for this gene, increasing the possibility that this may be a b enign variant. In summary, the clinical significance of this variant cannot be d etermined with certainty at this time.

Natera, Inc.
Classification: Uncertain significance for Usher syndrome type 1. Last evaluated: 2020-09-16. Review status: no assertion criteria provided. Collection method: clinical testing. Allele origin: germline. Not counted in ClinVar's aggregate classification.